The following is an entry in ClinVar:

ClinVar aggregate classification (germline): Uncertain significance (1 of 4 stars; one submission).

Conditions:
USP7-related disorder. Also called: USP7-related condition.

Submission:

PreventionGenetics, part of Exact Sciences
Classification: Uncertain significance for USP7-related condition. Last evaluated: 2023-03-24. Review status: criteria provided, single submitter. Criteria: ACMG Guidelines, 2015. Collection method: clinical testing. Allele origin: germline.
Comment: The USP7 c.1925C>G variant is predicted to result in the amino acid substitution p.Ala642Gly. To our knowledge, this variant has not been reported in the literature or in a large population database, indicating this variant is rare. At this time, the clinical significance of this variant is uncertain due to the absence of conclusive functional and genetic evidence.

NM_003470.3(USP7):c.1925C>G (p.Ala642Gly)

Gene: USP7 (ubiquitin specific peptidase 7; minus strand). Cytogenetic location: 16p13.2.
Variant type: single nucleotide variant.
Coding change: c.1925C>G on transcript NM_003470.3 (MANE Select); coding-DNA position 1925, C replaced by G.
Protein change: p.Ala642Gly; replaces alanine 642 with glycine.
Molecular consequence: missense variant. On other transcripts: non-coding transcript variant (1).
Genome position (GRCh38, 1-based): chr16:8,902,397, G>C on the plus strand (C>G on the coding strand, the complement: USP7 is on the minus strand). VCF-style: chr16-8902397-G-C. GRCh37 (hg19) VCF-style: chr16-8996254-G-C.
Other names: c.1877C>G, p.Ala626Gly (NM_001286457.2); c.1628C>G, p.Ala543Gly (NM_001286458.2); c.1751C>G, p.Ala584Gly (NM_001321858.2); short protein forms A543G, A584G, A626G, A642G.
Identifiers: ClinVar variation 2633612 (VCV002633612.1), dbSNP rs2549225090, ClinGen allele CA394700054.